The following is an entry in ClinVar:

ClinVar aggregate classification (germline): Uncertain significance (1 of 4 stars; one submission).

Submission:

GeneDx
Classification: Uncertain significance. Last evaluated: 2023-06-01. Review status: criteria provided, single submitter. Criteria: GeneDx Variant Classification Process June 2021. Collection method: clinical testing. Allele origin: germline. Affected: yes.
Comment: Not observed at significant frequency in large population cohorts (gnomAD); In silico analysis supports that this missense variant does not alter protein structure/function; Has not been previously published as pathogenic or benign to our knowledge

NM_004958.4(MTOR):c.4289C>T (p.Ala1430Val)

Gene: MTOR (mechanistic target of rapamycin kinase; minus strand). Cytogenetic location: 1p36.22.
Variant type: single nucleotide variant.
Coding change: c.4289C>T on transcript NM_004958.4 (MANE Select); coding-DNA position 4289, C replaced by T.
Protein change: p.Ala1430Val; replaces alanine 1430 with valine.
Molecular consequence: missense variant.
Genome position (GRCh38, 1-based): chr1:11,167,482, G>A on the plus strand (C>T on the coding strand, the complement: MTOR is on the minus strand). VCF-style: chr1-11167482-G-A. GRCh37 (hg19) VCF-style: chr1-11227539-G-A.
Other names: c.4289C>T, p.Ala1430Val (NM_001386500.1); c.3041C>T, p.Ala1014Val (NM_001386501.1); short protein forms A1014V, A1430V.
Identifiers: ClinVar variation 3362154 (VCV003362154.1).